The following is an entry in ClinVar:

NM_000062.3(SERPING1):c.1434C>T (p.Leu478=)

Gene: SERPING1 (serpin family G member 1; plus strand). Cytogenetic location: 11q12.1.
Variant type: single nucleotide variant.
Coding change: c.1434C>T on transcript NM_000062.3 (MANE Select); coding-DNA position 1434, C replaced by T.
Protein change: p.Leu478=; no amino-acid change (leucine 478 retained).
Molecular consequence: synonymous variant.
Genome position (GRCh38, 1-based): chr11:57,614,512, C>T. VCF-style: chr11-57614512-C-T. GRCh37 (hg19) VCF-style: chr11-57381985-C-T.
Other names: c.1434C>T, p.Leu478= (NM_001032295.2).
Identifiers: ClinVar variation 877135 (VCV000877135.8), dbSNP rs768058061, ClinGen allele CA6008291.

ClinVar aggregate classification (germline): Likely benign. Review status: criteria provided, multiple submitters, no conflicts (2 of 4 stars). 2 submissions from 2 submitters: Likely benign (2). Last evaluated 2025-10-11.

Conditions:
Hereditary angioedema type 1 (HAE1). Identifiers: Orphanet 100050, Orphanet 100051, Orphanet 91378, MedGen C2717906, MONDO:0015053, OMIM 106100.

Allele frequency attached by ClinVar (database versions not stated): gnomAD exomes below 0.00001 and 0.00002; TOPMed below 0.00001; ExAC 0.00002.
gnomAD v4.1: 7 of 1,614,122 alleles (0.00043%); no homozygotes.

Submissions (2):

Labcorp Genetics (formerly Invitae), Labcorp
Classification: Likely benign. Last evaluated: 2025-10-11. Review status: criteria provided, single submitter. Criteria: Invitae Variant Classification Sherloc (09022015). Collection method: clinical testing. Allele origin: germline.

Illumina Laboratory Services, Illumina
Classification: Likely benign for Hereditary angioedema type 1. Last evaluated: 2018-01-13. Review status: criteria provided, single submitter. Criteria: ICSL Variant Classification Criteria 13 December 2019. Collection method: clinical testing. Allele origin: germline.
Comment: This variant was observed in the ICSL laboratory as part of a predisposition screen in an ostensibly healthy population. It had not been previously curated by ICSL or reported in the Human Gene Mutation Database (HGMD: prior to June 1st, 2018), and was therefore a candidate for classification through an automated scoring system. Utilizing variant allele frequency, disease prevalence and penetrance estimates, and inheritance mode, an automated score was calculated to assess if this variant is too frequent to cause the disease. Based on the score and internal cut-off values, a variant classified as likely benign is not then subjected to further curation. The score for this variant resulted in a classification of likely benign for this disease.